The following is an entry in ClinVar:

NM_000188.3(HK1):c.2077G>A (p.Val693Met)

Gene: HK1 (hexokinase 1; plus strand). Cytogenetic location: 10q22.1.
Variant type: single nucleotide variant.
Coding change: c.2077G>A on transcript NM_000188.3 (MANE Select); coding-DNA position 2077, G replaced by A.
Protein change: p.Val693Met; replaces valine 693 with methionine.
Molecular consequence: missense variant.
Genome position (GRCh38, 1-based): chr10:69,392,166, G>A. VCF-style: chr10-69392166-G-A. GRCh37 (hg19) VCF-style: chr10-71151922-G-A.
Other names: c.2089G>A, p.Val697Met (NM_001322364.2, NM_001358263.1, NM_033497.3 and 1 more transcripts); c.2182G>A, p.Val728Met (NM_001322365.2); c.1993G>A, p.Val665Met (NM_001322366.1); c.1981G>A, p.Val661Met (NM_001322367.1); c.2074G>A, p.Val692Met (NM_033496.3); c.2041G>A, p.Val681Met (NM_033500.2); c.2077G>A (NM_000188.2); short protein forms V681M, V692M, V728M, V693M, V661M, V665M, V697M.
Identifiers: ClinVar variation 1460540 (VCV001460540.10), dbSNP rs749520125, ClinGen allele CA5532777.

ClinVar aggregate classification (germline): Uncertain significance. Review status: criteria provided, multiple submitters, no conflicts (2 of 4 stars). 3 submissions from 3 submitters: Uncertain significance (3). Last evaluated 2026-01-06.

Conditions:
Inborn genetic diseases. Identifiers: MedGen C0950123, MeSH D030342.

Allele frequency attached by ClinVar (database versions not stated): ExAC 0.00003; gnomAD 0.00003; TOPMed 0.00005; gnomAD exomes 0.00008.
gnomAD v4.1: 43 of 1,614,108 alleles (0.0027%); highest among the groups gnomAD compares: Admixed American, 0.05%; no homozygotes.

Submissions (3):

Labcorp Genetics (formerly Invitae), Labcorp
Classification: Uncertain significance. Last evaluated: 2026-01-06. Review status: criteria provided, single submitter. Criteria: Invitae Variant Classification Sherloc (09022015). Collection method: clinical testing. Allele origin: germline.
Comment: This sequence change replaces valine, which is neutral and non-polar, with methionine, which is neutral and non-polar, at codon 693 of the HK1 protein (p.Val693Met). This variant is present in population databases (rs749520125, gnomAD 0.06%). This variant has not been reported in the literature in individuals affected with HK1-related conditions. ClinVar contains an entry for this variant (Variation ID: 1460540). Invitae Evidence Modeling of protein sequence and biophysical properties (such as structural, functional, and spatial information, amino acid conservation, physicochemical variation, residue mobility, and thermodynamic stability) indicates that this missense variant is not expected to disrupt HK1 protein function with a negative predictive value of 80%. In summary, the available evidence is currently insufficient to determine the role of this variant in disease. Therefore, it has been classified as a Variant of Uncertain Significance.

Ambry Genetics
Classification: Uncertain significance for Inborn genetic diseases. Last evaluated: 2022-10-12. Review status: criteria provided, single submitter. Criteria: Ambry Variant Classification Scheme 2023. Collection method: clinical testing. Allele origin: germline.

Breakthrough Genomics
Classification: Uncertain significance. Review status: criteria provided, single submitter. Criteria: ACMG Guidelines, 2015. Collection method: not provided. Allele origin: germline. Inheritance: Autosomal recessive inheritance. Affected: yes.